The following is an entry in ClinVar:

ClinVar aggregate classification (germline): Uncertain significance (1 of 4 stars; one submission).

Conditions:
Absence seizure. Also called: Absence epilepsy. Identifiers: Orphanet 1941, MedGen C0014553.
Myoclonic epilepsy, juvenile, susceptibility to, 1. Also called: Myoclonic Epilepsy, Juvenile, 1; EJM1. Identifiers: MedGen C1850778, MONDO:0020752, OMIM 254770.

Allele frequency attached by ClinVar (database versions not stated): ExAC 0.00001; gnomAD exomes 0.00001; gnomAD 0.00002; TOPMed 0.00003.
gnomAD v4.1: 6 of 1,613,936 alleles (0.00037%); highest among the groups gnomAD compares: African/African-American, 0.008%; no homozygotes.

Submission:

Labcorp Genetics (formerly Invitae), Labcorp
Classification: Uncertain significance for Myoclonic epilepsy, juvenile, susceptibility to, 1; Absence seizure. Last evaluated: 2022-05-27. Review status: criteria provided, single submitter. Criteria: Invitae Variant Classification Sherloc (09022015). Collection method: clinical testing. Allele origin: germline.
Comment: Algorithms developed to predict the effect of sequence changes on RNA splicing suggest that this variant may disrupt the consensus splice site. In summary, the available evidence is currently insufficient to determine the role of this variant in disease. Therefore, it has been classified as a Variant of Uncertain Significance. ClinVar contains an entry for this variant (Variation ID: 836944). This variant has not been reported in the literature in individuals affected with EFHC1-related conditions. This variant is present in population databases (rs776277918, gnomAD 0.02%). This sequence change creates a premature translational stop signal (p.Arg437*) in the EFHC1 gene. It is expected to result in an absent or disrupted protein product. However, the current clinical and genetic evidence is not sufficient to establish whether loss-of-function variants in EFHC1 cause disease.

NM_018100.4(EFHC1):c.1309A>T (p.Arg437Ter)

Gene: EFHC1 (EF-hand domain containing 1; plus strand). Cytogenetic location: 6p12.2.
Variant type: single nucleotide variant.
Coding change: c.1309A>T on transcript NM_018100.4 (MANE Select); coding-DNA position 1309, A replaced by T.
Protein change: p.Arg437Ter; replaces arginine 437 with a stop codon.
Molecular consequence: nonsense. On other transcripts: non-coding transcript variant (1).
Genome position (GRCh38, 1-based): chr6:52,479,067, A>T. VCF-style: chr6-52479067-A-T. GRCh37 (hg19) VCF-style: chr6-52343865-A-T.
Other names: c.1252A>T, p.Arg418Ter (NM_001172420.2); short protein forms R418*, R437*.
Identifiers: ClinVar variation 836944 (VCV000836944.9), dbSNP rs776277918, ClinGen allele CA3856059.
Genomic context (GRCh38, chr6:52,479,067, plus strand): 5'-CATAATATCCTCTTTTCTTCACCTTTGTAGGAATCCCCCATCCCAGAAGACAAAGACCGC[A>T]GATTTGTCTTCTCTTACTTTCTAGCTACCGACATGATCAGTATCTTTGAGCCTCCTGTTC-3'